The following is an entry in ClinVar:

NM_016123.4(IRAK4):c.113C>G (p.Ala38Gly)

Gene: IRAK4 (interleukin 1 receptor associated kinase 4; plus strand). Cytogenetic location: 12q12.
Variant type: single nucleotide variant.
Coding change: c.113C>G on transcript NM_016123.4 (MANE Select); coding-DNA position 113, C replaced by G.
Protein change: p.Ala38Gly; replaces alanine 38 with glycine.
Molecular consequence: missense variant. On other transcripts: 5 prime UTR variant (8), intron variant (2).
Genome position (GRCh38, 1-based): chr12:43,768,224, C>G. VCF-style: chr12-43768224-C-G. GRCh37 (hg19) VCF-style: chr12-44162027-C-G.
Other names: c.113C>G, p.Ala38Gly (NM_001114182.3, NM_001351345.2); c.-114C>G (NM_001145256.2, NM_001145257.2, NM_001351338.2); c.-327C>G (NM_001351339.2, NM_001351340.2, NM_001351341.2); c.-265C>G (NM_001351343.2, NM_001351344.2); c.-278-2814C>G (NM_001351342.2); c.-65-3956C>G (NM_001145258.2); short protein forms A38G.
Identifiers: ClinVar variation 639567 (VCV000639567.2), dbSNP rs1402262535, ClinGen allele CA384464571.

ClinVar aggregate classification (germline): Uncertain significance (1 of 4 stars; one submission).

Conditions:
Immunodeficiency 67. Also called: Immunodeficiency due to interleukin-1 receptor-associated kinase-4 deficiency. Identifiers: Orphanet 70592, MedGen C1843256, MONDO:0011888, OMIM 607676.

Allele frequency attached by ClinVar (database versions not stated): gnomAD exomes below 0.00001 and 0.00001.
gnomAD v4.1: 7 of 1,612,828 alleles (0.00043%); highest among the groups gnomAD compares: Non-Finnish European, 0.00017%; no homozygotes.

Submission:

Labcorp Genetics (formerly Invitae), Labcorp
Classification: Uncertain significance for IRAK4 deficiency. Last evaluated: 2019-02-05. Review status: criteria provided, single submitter. Criteria: Invitae Variant Classification Sherloc (09022015). Collection method: clinical testing. Allele origin: germline.
Comment: This sequence change replaces alanine with glycine at codon 38 of the IRAK4 protein (p.Ala38Gly). The alanine residue is moderately conserved and there is a small physicochemical difference between alanine and glycine. This variant is not present in population databases (ExAC no frequency). This variant has not been reported in the literature in individuals with IRAK4-related conditions. Algorithms developed to predict the effect of missense changes on protein structure and function (SIFT, PolyPhen-2, Align-GVGD) all suggest that this variant is likely to be tolerated, but these predictions have not been confirmed by published functional studies and their clinical significance is uncertain. Algorithms developed to predict the effect of sequence changes on RNA splicing suggest that this variant may create or strengthen a splice site, but this prediction has not been confirmed by published transcriptional studies. In summary, the available evidence is currently insufficient to determine the role of this variant in disease. Therefore, it has been classified as a Variant of Uncertain Significance.